The following is an entry in ClinVar:

ClinVar aggregate classification (germline): Uncertain significance. Review status: criteria provided, multiple submitters, no conflicts (2 of 4 stars). 2 submissions from 2 submitters: Uncertain significance (2). Last evaluated 2025-01-12.

Conditions:
Rienhoff syndrome. Also called: LOEYS-DIETZ SYNDROME 5. Identifiers: MedGen C3810012, MONDO:0014262, OMIM 615582.

Submissions (2):

Labcorp Genetics (formerly Invitae), Labcorp
Classification: Uncertain significance for Rienhoff syndrome. Last evaluated: 2025-01-12. Review status: criteria provided, single submitter. Criteria: Invitae Variant Classification Sherloc (09022015). Collection method: clinical testing. Allele origin: germline.
Comment: This sequence change replaces cysteine, which is neutral and slightly polar, with tyrosine, which is neutral and polar, at codon 123 of the TGFB3 protein (p.Cys123Tyr). This variant is not present in population databases (gnomAD no frequency). This variant has not been reported in the literature in individuals affected with TGFB3-related conditions. ClinVar contains an entry for this variant (Variation ID: 3253352). Invitae Evidence Modeling of protein sequence and biophysical properties (such as structural, functional, and spatial information, amino acid conservation, physicochemical variation, residue mobility, and thermodynamic stability) indicates that this missense variant is not expected to disrupt TGFB3 protein function with a negative predictive value of 80%. In summary, the available evidence is currently insufficient to determine the role of this variant in disease. Therefore, it has been classified as a Variant of Uncertain Significance.

GeneDx
Classification: Uncertain significance. Last evaluated: 2023-06-12. Review status: criteria provided, single submitter. Criteria: GeneDx Variant Classification Process June 2021. Collection method: clinical testing. Allele origin: germline. Affected: yes.
Comment: Not observed at significant frequency in large population cohorts (gnomAD); In silico analysis supports that this missense variant does not alter protein structure/function; Has not been previously published as pathogenic or benign to our knowledge

NM_003239.5(TGFB3):c.368G>A (p.Cys123Tyr)

Gene: TGFB3 (transforming growth factor beta 3; minus strand). Cytogenetic location: 14q24.3.
Variant type: single nucleotide variant.
Coding change: c.368G>A on transcript NM_003239.5 (MANE Select); coding-DNA position 368, G replaced by A.
Protein change: p.Cys123Tyr; replaces cysteine 123 with tyrosine.
Molecular consequence: missense variant.
Genome position (GRCh38, 1-based): chr14:75,971,703, C>T on the plus strand (G>A on the coding strand, the complement: TGFB3 is on the minus strand). VCF-style: chr14-75971703-C-T. GRCh37 (hg19) VCF-style: chr14-76438046-C-T.
Other names: c.368G>A, p.Cys123Tyr (NM_001329938.2, NM_001329939.2); short protein forms C123Y.
Identifiers: ClinVar variation 3253352 (VCV003253352.3), dbSNP rs2504112149.